The following is an entry in ClinVar:

NM_000384.3(APOB):c.12444C>T (p.Ala4148=)

Gene: APOB (apolipoprotein B; minus strand). Cytogenetic location: 2p24.1.
Variant type: single nucleotide variant.
Coding change: c.12444C>T on transcript NM_000384.3 (MANE Select); coding-DNA position 12444, C replaced by T.
Protein change: p.Ala4148=; no amino-acid change (alanine 4148 retained).
Molecular consequence: synonymous variant.
Genome position (GRCh38, 1-based): chr2:21,002,978, G>A on the plus strand (C>T on the coding strand, the complement: APOB is on the minus strand). VCF-style: chr2-21002978-G-A. GRCh37 (hg19) VCF-style: chr2-21225850-G-A.
Identifiers: ClinVar variation 924926 (VCV000924926.33), dbSNP rs757789853, ClinGen allele CA425342309.

ClinVar aggregate classification (germline): Likely benign. Review status: criteria provided, multiple submitters, no conflicts (2 of 4 stars). 4 submissions from 4 submitters: Likely benign (4). Last evaluated 2026-03-01.

Conditions:
Hypercholesterolemia, autosomal dominant, type B (FHCL2). Also called: Familial Hypercholesterolemia Type B; Hyperlipoproteinemia Type IIb; APOB-Related Familial Hypercholesterolemia, Autosomal Dominant; Familial hypercholesterolemia 2; HYPERCHOLESTEROLEMIA, FAMILIAL, DUE TO LIGAND-DEFECTIVE APOLIPOPROTEIN B; APOLIPOPROTEIN B-100, FAMILIAL DEFECTIVE. Identifiers: MedGen C1704417, MONDO:0007751, OMIM 144010.
Familial hypobetalipoproteinemia 1. Also called: Hypobetalipoproteinemia, normotriglyceridemic; Acanthocytosis with hypobetalipoproteinemia; APOB-Related Familial Hypobetalipoproteinemia. Identifiers: MedGen C4551990, MONDO:0014252, OMIM 615558.
Cardiovascular phenotype. Identifiers: MedGen CN230736.

gnomAD v4.1: 3 of 1,596,056 alleles (0.00019%); highest among the groups gnomAD compares: Non-Finnish European, 0.00026%; no homozygotes.

Submissions (4):

CeGaT Center for Human Genetics Tuebingen
Classification: Likely benign. Last evaluated: 2026-03-01. Review status: criteria provided, single submitter. Criteria: CeGaT Center For Human Genetics Tuebingen Variant Classification Criteria Version 2. Collection method: clinical testing. Allele origin: germline. Affected: yes. Observed: 2 variant alleles.
Comment: APOB: BP4, BP7

Labcorp Genetics (formerly Invitae), Labcorp
Classification: Likely benign for Familial hypobetalipoproteinemia 1; Hypercholesterolemia, autosomal dominant, type B. Last evaluated: 2025-10-07. Review status: criteria provided, single submitter. Criteria: Invitae Variant Classification Sherloc (09022015). Collection method: clinical testing. Allele origin: germline.

Ambry Genetics
Classification: Likely benign for Cardiovascular phenotype. Last evaluated: 2025-06-15. Review status: criteria provided, single submitter. Criteria: Ambry Variant Classification Scheme 2023. Collection method: clinical testing. Allele origin: germline.

Blueprint Genetics
Classification: Likely benign. Last evaluated: 2024-09-18. Review status: criteria provided, single submitter. Criteria: ACMG Guidelines, 2015. Collection method: clinical testing. Allele origin: germline.